The following is an entry in ClinVar:

ClinVar aggregate classification (germline): Uncertain significance (1 of 4 stars; one submission).

Allele frequency attached by ClinVar (database versions not stated): gnomAD exomes below 0.00001 and 0.00001; TOPMed 0.00002; gnomAD 0.00003.
gnomAD v4.1: 20 of 1,613,912 alleles (0.0012%); highest among the groups gnomAD compares: East Asian, 0.013%; no homozygotes.

Submission:

Labcorp Genetics (formerly Invitae), Labcorp
Classification: Uncertain significance. Last evaluated: 2022-07-06. Review status: criteria provided, single submitter. Criteria: Invitae Variant Classification Sherloc (09022015). Collection method: clinical testing. Allele origin: germline.
Comment: In summary, the available evidence is currently insufficient to determine the role of this variant in disease. Therefore, it has been classified as a Variant of Uncertain Significance. Algorithms developed to predict the effect of missense changes on protein structure and function output the following: SIFT: "Tolerated"; PolyPhen-2: "Benign"; Align-GVGD: "Class C0". The serine amino acid residue is found in multiple mammalian species, which suggests that this missense change does not adversely affect protein function. ClinVar contains an entry for this variant (Variation ID: 934491). This variant has not been reported in the literature in individuals affected with VCAN-related conditions. This variant is present in population databases (no rsID available, gnomAD 0.004%). This sequence change replaces asparagine, which is neutral and polar, with serine, which is neutral and polar, at codon 2803 of the VCAN protein (p.Asn2803Ser).

NM_004385.5(VCAN):c.8408A>G (p.Asn2803Ser)

Genes: VCAN (versican; plus strand), VCAN-AS1 (VCAN antisense RNA 1; minus strand). Cytogenetic location: 5q14.3.
Variant type: single nucleotide variant.
Coding change: c.8408A>G on transcript NM_004385.5 (MANE Select); coding-DNA position 8408, A replaced by G.
Protein change: p.Asn2803Ser; replaces asparagine 2803 with serine.
Molecular consequence: missense variant. On other transcripts: intron variant (2).
Genome position (GRCh38, 1-based): chr5:83,541,411, A>G. VCF-style: chr5-83541411-A-G. GRCh37 (hg19) VCF-style: chr5-82837230-A-G.
Other names: c.5447A>G, p.Asn1816Ser (NM_001164097.2); c.4004-4126A>G (NM_001164098.2); c.1043-4126A>G (NM_001126336.3); short protein forms N2803S, N1816S.
Identifiers: ClinVar variation 934491 (VCV000934491.7), dbSNP rs1433895246, ClinGen allele CA360316856.